The following is an entry in ClinVar:

NM_000092.5(COL4A4):c.4916G>A (p.Gly1639Glu)

Gene: COL4A4 (collagen type IV alpha 4 chain; minus strand). Cytogenetic location: 2q36.3.
Variant type: single nucleotide variant.
Coding change: c.4916G>A on transcript NM_000092.5 (MANE Select); coding-DNA position 4916, G replaced by A.
Protein change: p.Gly1639Glu; replaces glycine 1639 with glutamic acid.
Molecular consequence: missense variant.
Genome position (GRCh38, 1-based): chr2:227,007,482, C>T on the plus strand (G>A on the coding strand, the complement: COL4A4 is on the minus strand). VCF-style: chr2-227007482-C-T. GRCh37 (hg19) VCF-style: chr2-227872198-C-T.
Other names: short protein forms G1639E.
Identifiers: ClinVar variation 2092011 (VCV002092011.3), dbSNP rs2472579467, ClinGen allele CA351140193.

ClinVar aggregate classification (germline): Uncertain significance (1 of 4 stars; one submission).

Submission:

Labcorp Genetics (formerly Invitae), Labcorp
Classification: Uncertain significance. Last evaluated: 2025-05-01. Review status: criteria provided, single submitter. Criteria: Invitae Variant Classification Sherloc (09022015). Collection method: clinical testing. Allele origin: germline.
Comment: This sequence change replaces glycine, which is neutral and non-polar, with glutamic acid, which is acidic and polar, at codon 1639 of the COL4A4 protein (p.Gly1639Glu). This variant is not present in population databases (gnomAD no frequency). This missense change has been observed in individual(s) with clinical features of Alport syndrome (internal data). In at least one individual the data is consistent with being in trans (on the opposite chromosome) from a pathogenic variant. ClinVar contains an entry for this variant (Variation ID: 2092011). Invitae Evidence Modeling of protein sequence and biophysical properties (such as structural, functional, and spatial information, amino acid conservation, physicochemical variation, residue mobility, and thermodynamic stability) indicates that this missense variant is not expected to disrupt COL4A4 protein function with a negative predictive value of 95%. In summary, the available evidence is currently insufficient to determine the role of this variant in disease. Therefore, it has been classified as a Variant of Uncertain Significance.